The following is an entry in ClinVar:

ClinVar aggregate classification (germline): Uncertain significance (1 of 4 stars; one submission).

Allele frequency attached by ClinVar (database versions not stated): ExAC 0.00002; gnomAD exomes 0.00003; TOPMed 0.00003; gnomAD 0.00006.
gnomAD v4.1: 52 of 1,614,058 alleles (0.0032%); highest among the groups gnomAD compares: African/African-American, 0.012%; no homozygotes.

Submission:

Labcorp Genetics (formerly Invitae), Labcorp
Classification: Uncertain significance. Last evaluated: 2025-10-14. Review status: criteria provided, single submitter. Criteria: Invitae Variant Classification Sherloc (09022015). Collection method: clinical testing. Allele origin: germline.
Comment: This sequence change replaces arginine, which is basic and polar, with glutamine, which is neutral and polar, at codon 536 of the DUOX2 protein (p.Arg536Gln). This variant is present in population databases (rs777734937, gnomAD 0.007%). This variant has not been reported in the literature in individuals affected with DUOX2-related conditions. ClinVar contains an entry for this variant (Variation ID: 1444039). Invitae Evidence Modeling of protein sequence and biophysical properties (such as structural, functional, and spatial information, amino acid conservation, physicochemical variation, residue mobility, and thermodynamic stability) indicates that this missense variant is not expected to disrupt DUOX2 protein function with a negative predictive value of 80%. In summary, the available evidence is currently insufficient to determine the role of this variant in disease. Therefore, it has been classified as a Variant of Uncertain Significance.

NM_001363711.2(DUOX2):c.1607G>A (p.Arg536Gln)

Gene: DUOX2 (dual oxidase 2; minus strand). Cytogenetic location: 15q21.1.
Variant type: single nucleotide variant.
Coding change: c.1607G>A on transcript NM_001363711.2 (MANE Select); coding-DNA position 1607, G replaced by A.
Protein change: p.Arg536Gln; replaces arginine 536 with glutamine.
Molecular consequence: missense variant.
Genome position (GRCh38, 1-based): chr15:45,107,431, C>T on the plus strand (G>A on the coding strand, the complement: DUOX2 is on the minus strand). VCF-style: chr15-45107431-C-T. GRCh37 (hg19) VCF-style: chr15-45399629-C-T.
Other names: c.1607G>A, p.Arg536Gln (NM_014080.5); short protein forms R536Q.
Identifiers: ClinVar variation 1444039 (VCV001444039.4), dbSNP rs777734937, ClinGen allele CA7538547.